The following is an entry in ClinVar:

NM_001142800.2(EYS):c.4390_4392delinsA (p.Gly1464fs)

Gene: EYS (EGF-like photoreceptor maintenance factor; minus strand). Cytogenetic location: 6q12.
Variant type: Indel.
Coding change: c.4390_4392delinsA on transcript NM_001142800.2 (MANE Select); coding-DNA positions 4390 to 4392, GGG replaced by A.
Protein change: p.Gly1464fs; shifts the reading frame from glycine 1464.
Molecular consequence: frameshift variant.
Genome position (GRCh38, 1-based): chr6:64,591,475-64,591,477, CCC replaced by T on the plus strand (GGG replaced by A on the coding strand, the reverse complement: EYS is on the minus strand). VCF-style: chr6-64591475-CCC-T. GRCh37 (hg19) VCF-style: chr6-65301368-CCC-T.
Other names: c.4390_4392delinsA, p.Gly1464fs (NM_001292009.2); short protein forms G1464fs.
Identifiers: ClinVar variation 4814637 (VCV004814637.1).
Genomic context (GRCh38, chr6:64,591,475, plus strand): 5'-CCAGTGCTCTCTTCTTGAAATTAAAGAATCAGCTGAATATTCTTCAATATCCTCTTGAGC[CCC>T]CCTAGAGACAACTGGAGTTGCACTTATGGAGGCAGCTATAAGCAGGAATCCACGGGAGAG-3'

ClinVar aggregate classification (germline): Likely pathogenic (1 of 4 stars; one submission).

Conditions:
Retinitis pigmentosa 25 (RP25). Identifiers: Orphanet 791, MedGen C1864446, MONDO:0011272, OMIM 602772.

Submission:

Natera, Inc.
Classification: Likely pathogenic for Retinitis pigmentosa type 25. Last evaluated: 2025-11-07. Review status: criteria provided, single submitter. Criteria: Natera Variant Classification Schema (03/2026). Collection method: clinical testing. Allele origin: germline.
Comment: The c.4390_4392delGGGinsA variant in EYS is a frameshift variant predicted to shift the reading frame beginning at codon 1464 and leads to a stop codon 6 codons downstream. This variant is expected to result in nonsense mediated decay, truncation, or a dysfunctional protein product. This variant is rare in the general population with a frequency below the threshold expected for the associated phenotype(s). Given the available evidence, this variant is classified as Likely Pathogenic.